The following is an entry in ClinVar:

ClinVar aggregate classification (germline): Uncertain significance (1 of 4 stars; one submission).

Conditions:
Hereditary breast ovarian cancer syndrome. Also called: Hereditary breast and/or ovarian cancer syndrome; Hereditary breast and ovarian cancer syndrome; BRCA1- and BRCA2-Associated Hereditary Breast and Ovarian Cancer; Breast and ovarian cancer; Hereditary breast and ovarian cancer; Hereditary breast and ovarian cancer syndrome (HBOC). Identifiers: Orphanet 145, MedGen C0677776, MeSH D061325, MONDO:0003582. Disease mechanism: loss of function.

Submission:

Labcorp Genetics (formerly Invitae), Labcorp
Classification: Uncertain significance for Hereditary breast ovarian cancer syndrome. Last evaluated: 2022-07-10. Review status: criteria provided, single submitter. Criteria: Invitae Variant Classification Sherloc (09022015). Collection method: clinical testing. Allele origin: germline.
Comment: In summary, the available evidence is currently insufficient to determine the role of this variant in disease. Therefore, it has been classified as a Variant of Uncertain Significance. Advanced modeling of protein sequence and biophysical properties (such as structural, functional, and spatial information, amino acid conservation, physicochemical variation, residue mobility, and thermodynamic stability) performed at Invitae indicates that this missense variant is not expected to disrupt BRCA2 protein function. This variant has not been reported in the literature in individuals affected with BRCA2-related conditions. This variant is not present in population databases (gnomAD no frequency). This sequence change replaces valine, which is neutral and non-polar, with phenylalanine, which is neutral and non-polar, at codon 145 of the BRCA2 protein (p.Val145Phe).

NM_000059.4(BRCA2):c.433G>T (p.Val145Phe)

Gene: BRCA2 (BRCA2 DNA repair associated; plus strand). Cytogenetic location: 13q13.1.
Variant type: single nucleotide variant.
Coding change: c.433G>T on transcript NM_000059.4 (MANE Select); coding-DNA position 433, G replaced by T.
Protein change: p.Val145Phe; replaces valine 145 with phenylalanine.
Molecular consequence: missense variant.
Genome position (GRCh38, 1-based): chr13:32,326,108, G>T. VCF-style: chr13-32326108-G-T. GRCh37 (hg19) VCF-style: chr13-32900245-G-T.
Other names: c.433G>T, p.Val145Phe (NM_001406719.1, NM_001406720.1, NM_001406721.1); c.64G>T, p.Val22Phe (NM_001406722.1); short protein forms V145F, V22F.
Identifiers: ClinVar variation 2015710 (VCV002015710.4), dbSNP rs1593886774, ClinGen allele CA387757006.